The following is an entry in ClinVar:

NM_025207.5(FLAD1):c.1664G>A (p.Arg555Gln)

Gene: FLAD1 (flavin adenine dinucleotide synthetase 1; plus strand). Cytogenetic location: 1q21.3.
Variant type: single nucleotide variant.
Coding change: c.1664G>A on transcript NM_025207.5 (MANE Select); coding-DNA position 1664, G replaced by A.
Protein change: p.Arg555Gln; replaces arginine 555 with glutamine.
Molecular consequence: missense variant. On other transcripts: 3 prime UTR variant (1).
Genome position (GRCh38, 1-based): chr1:154,992,937, G>A. VCF-style: chr1-154992937-G-A. GRCh37 (hg19) VCF-style: chr1-154965413-G-A.
Other names: c.*147G>A (NM_001184891.2); c.1373G>A, p.Arg458Gln (NM_201398.3); short protein forms R458Q, R555Q.
Identifiers: ClinVar variation 1380658 (VCV001380658.5), dbSNP rs2232633, ClinGen allele CA1134661.

ClinVar aggregate classification (germline): Conflicting classifications of pathogenicity. Review status: criteria provided, conflicting classifications (1 of 4 stars). 3 submissions from 3 submitters: Uncertain significance (2); Likely benign (1). Last evaluated 2022-08-17.

Conditions:
Inborn genetic diseases. Identifiers: MedGen C0950123, MeSH D030342.

Allele frequency attached by ClinVar (database versions not stated): gnomAD 0.00001 and 0.00002; TOPMed 0.00001; ExAC 0.00002; gnomAD exomes 0.00002 and 0.00004; 1000 Genomes Project 30x 0.00016; 1000 Genomes Project 0.00020.
gnomAD v4.1: 66 of 1,613,972 alleles (0.0041%); highest among the groups gnomAD compares: Middle Eastern, 0.016%; no homozygotes.

Submissions (3):

Ambry Genetics
Classification: Likely benign for Inborn genetic diseases. Last evaluated: 2022-08-17. Review status: criteria provided, single submitter. Criteria: Ambry Variant Classification Scheme 2023. Collection method: clinical testing. Allele origin: germline.

GeneDx
Classification: Uncertain significance. Last evaluated: 2022-06-01. Review status: criteria provided, single submitter. Criteria: GeneDx Variant Classification Process June 2021. Collection method: clinical testing. Allele origin: germline. Affected: yes.
Comment: Not observed at significant frequency in large population cohorts (gnomAD); In silico analysis supports that this missense variant does not alter protein structure/function; Has not been previously published as pathogenic or benign to our knowledge

Labcorp Genetics (formerly Invitae), Labcorp
Classification: Uncertain significance. Last evaluated: 2022-03-21. Review status: criteria provided, single submitter. Criteria: Invitae Variant Classification Sherloc (09022015). Collection method: clinical testing. Allele origin: germline.
Comment: This sequence change replaces arginine, which is basic and polar, with glutamine, which is neutral and polar, at codon 555 of the FLAD1 protein (p.Arg555Gln). This variant is present in population databases (rs2232633, gnomAD 0.01%). This variant has not been reported in the literature in individuals affected with FLAD1-related conditions. Algorithms developed to predict the effect of missense changes on protein structure and function output the following: SIFT: "Tolerated"; PolyPhen-2: "Benign"; Align-GVGD: "Class C0". The glutamine amino acid residue is found in multiple mammalian species, which suggests that this missense change does not adversely affect protein function. In summary, the available evidence is currently insufficient to determine the role of this variant in disease. Therefore, it has been classified as a Variant of Uncertain Significance.